The following is an entry in ClinVar:

ClinVar aggregate classification (germline): Likely pathogenic (1 of 4 stars; one submission).

Conditions:
Colorectal cancer, susceptibility to, 12 (CRCS12). Also called: COLORECTAL CANCER, SUSCEPTIBILITY TO, ON CHROMOSOME 12q24. Identifiers: Orphanet 220460, MedGen C3554460, MONDO:0014038, OMIM 615083.

Submission:

EVOGEN
Classification: Likely pathogenic for Colorectal cancer, susceptibility to, 12. Last evaluated: 2025-03-27. Review status: criteria provided, single submitter. Criteria: ACMG Guidelines, 2015. Collection method: clinical testing. Allele origin: germline. Affected: no.
Comment: PVS1: Null variant (intronic within ±2 of splice site) in gene POLE. Loss-of-function is a known mechanism of disease (gene has 452 reported pathogenic LOF variants). PM2: Variant not found in gnomAD genomes, good gnomAD genomes coverage = 30.9. Variant not found in gnomAD exomes, good gnomAD exomes coverage = 32.5.

NM_006231.4(POLE):c.1107-1G>C

Gene: POLE (DNA polymerase epsilon, catalytic subunit; minus strand). Cytogenetic location: 12q24.33.
Variant type: single nucleotide variant.
Coding change: c.1107-1G>C on transcript NM_006231.4 (MANE Select); the canonical splice acceptor site of the intron before coding-DNA position 1107, G replaced by C.
Molecular consequence: splice acceptor variant.
Genome position (GRCh38, 1-based): chr12:132,675,518, C>G on the plus strand (G>C on the coding strand, the complement: POLE is on the minus strand). VCF-style: chr12-132675518-C-G. GRCh37 (hg19) VCF-style: chr12-133252104-C-G.
Identifiers: ClinVar variation 4690247 (VCV004690247.1).
Genomic context (GRCh38, chr12:132,675,518, plus strand): 5'-AAGCCTATCTCCTGCTGCATGCTCAGACCGTGGACTGCTGCCCGGGCCTCCACAAATGGC[C>G]TGGGTTGGAAAGAGGACAGACAAGCAAGTGGGCAGGTCAGGCTCTAATGCCCCTTTCTCC-3'